The following is an entry in ClinVar:

NM_007294.4(BRCA1):c.286G>A (p.Asp96Asn)

Gene: BRCA1 (BRCA1 DNA repair associated; minus strand). Cytogenetic location: 17q21.31.
Variant type: single nucleotide variant.
Coding change: c.286G>A on transcript NM_007294.4 (MANE Select); coding-DNA position 286, G replaced by A.
Protein change: p.Asp96Asn; replaces aspartic acid 96 with asparagine.
Molecular consequence: missense variant. On other transcripts: non-coding transcript variant (1).
Genome position (GRCh38, 1-based): chr17:43,104,883, C>T on the plus strand (G>A on the coding strand, the complement: BRCA1 is on the minus strand). VCF-style: chr17-43104883-C-T. GRCh37 (hg19) VCF-style: chr17-41256900-C-T.
Other names: NM_007294.4(BRCA1):c.286G>A; p.Asp96Asn; c.76G>A, p.Asp26Asn (NM_001407571.1, NM_001407853.1, NM_001407879.1 and 58 more transcripts); c.286G>A, p.Asp96Asn (NM_001407581.1, NM_001407582.1, NM_001407583.1 and 168 more transcripts); c.208G>A, p.Asp70Asn (NM_001407653.1, NM_001407654.1, NM_001407655.1 and 21 more transcripts); c.145G>A, p.Asp49Asn (NM_001407692.1, NM_001407694.1, NM_001407695.1 and 99 more transcripts); c.-96G>A (NM_001407959.1, NM_001407960.1, NM_001407962.1 and 4 more transcripts); c.154G>A, p.Asp52Asn (NM_001408451.1); short protein forms D96N, D49N, D26N, D70N, D52N.
Identifiers: ClinVar variation 54704 (VCV000054704.21), dbSNP rs80357110, ClinGen allele CA001871.

ClinVar aggregate classification (germline): Likely pathogenic. Review status: reviewed by expert panel (3 of 4 stars). 6 submissions from 6 submitters: Likely pathogenic (1). 5 of the submissions do not count toward it. Last evaluated 2026-01-04.

Conditions:
BRCA1-related cancer predisposition. Identifiers: MedGen CN377757, MONDO:0700268.
Hereditary cancer-predisposing syndrome. Also called: Tumor predisposition; Neoplastic Syndromes, Hereditary; Hereditary Cancer Syndrome; Hereditary neoplastic syndrome. Identifiers: Orphanet 140162, MedGen C0027672, MeSH D009386, MONDO:0015356.
Hereditary breast ovarian cancer syndrome. Also called: Hereditary breast and ovarian cancer syndrome (HBOC); Hereditary breast and ovarian cancer syndrome; Hereditary breast and ovarian cancer; Hereditary breast and/or ovarian cancer syndrome; Breast and ovarian cancer; BRCA1- and BRCA2-Associated Hereditary Breast and Ovarian Cancer. Identifiers: Orphanet 145, MedGen C0677776, MeSH D061325, MONDO:0003582. Disease mechanism: loss of function.
Breast-ovarian cancer, familial, susceptibility to, 1 (BROVCA1). Also called: OVARIAN CANCER, SUSCEPTIBILITY TO; BRCA1 Hereditary Breast and Ovarian Cancer. Identifiers: Orphanet 145, MedGen C2676676, MONDO:0011450, OMIM 604370. Disease mechanism: loss of function.

Submissions (7):

ClinGen ENIGMA BRCA1 and BRCA2 Variant Curation Expert Panel, ClinGen
Classification: Likely pathogenic for BRCA1-related cancer predisposition. Last evaluated: 2026-01-04. Review status: reviewed by expert panel. Criteria: CSpec BRCA12ACMG Rules Specifications V1.1. Collection method: curation. Allele origin: germline. Inheritance: Autosomal dominant inheritance.
Comment: The c.286G>A variant in BRCA1 is a missense variant predicted to cause substitution of Aspartic Acid by Asparagine at amino acid 96 (p.(Asp96Asn)). This variant is absent from gnomAD v2.1 (exomes only, non-cancer subset, read depth ≥25) and gnomAD v3.1 (non-cancer subset, read depth ≥25) (PM2_Supporting met). This BRCA1 missense variant is within a key functional domain and the computational predictor BayesDel (noAF) gives a score of 0.077, below the recommended threshold of 0.15 for no predicted impact on BRCA1 function via protein change. However, the SpliceAI score of 0.14 indicates an unclear predicted impact on splicing (score range 0.10-0.20) (no bioinformatic code is applied). Reported by two calibrated studies to exhibit protein function similar to pathogenic control variants (PMID:35659930, Findlay internal data) (PS3 met). mRNA experimental analysis indicates no impact on splicing (PMID: 32123317) but is not applied as strong evidence against pathogenicity since missense impact has not been excluded (BP7_Strong (RNA) not met). Multifactorial likelihood ratio analysis using clinically calibrated data produced a combined LR for this variant of 9.53 (based on Family History LR=9.53), within the thresholds for moderate evidence towards pathogenicity (LR >4.3 & ≤18.7) (PP4_Moderate met; PMID: 31853058). In summary, this variant meets the criteria to be classified as a Likely pathogenic variant for BRCA1-related cancer predisposition based on the ACMG/AMP criteria applied as specified by the ENIGMA BRCA1/2 VCEP (PM2_Supporting, PS3, PP4_Moderate).

Ambry Genetics
Classification: Uncertain significance for Hereditary cancer-predisposing syndrome. Last evaluated: 2026-05-13. Review status: criteria provided, single submitter. Criteria: Ambry Variant Classification Scheme 2023. Collection method: clinical testing. Allele origin: germline. Not counted in ClinVar's aggregate classification.
Comment: The p.D96N variant (also known as c.286G>A), located in coding exon 4 of the BRCA1 gene, results from a G to A substitution at nucleotide position 286. The aspartic acid at codon 96 is replaced by asparagine, an amino acid with highly similar properties. One functional study found that this nucleotide substitution is non-functional in a high-throughput, genome editing, haploid cell survival assay (Findlay GM et al. Nature, 2018 10;562:217-222). In another functional assay, this alteration failed to bind to BARD1 and to support homology-directed repair in cells (Starita L et al. Genetics. 2015 Jun;200(2):413-22). This variant also impaired binding to BARD1 in a mammalian two-hybrid assay (Clark KA et al. Am J Hum Genet. 2022 Jun;109(6):1153-1174). However, in a ubiquitin ligase functional assay, this alteration was shown to behave similarly to wildtype (Morris JR et al. Hum Mol Genet. 2006 Feb 15;15(4):599-606). This amino acid position is highly conserved in available vertebrate species. In addition, the in silico prediction for this alteration is inconclusive. Based on the available evidence, the clinical significance of this variant remains unclear.

Labcorp Genetics (formerly Invitae), Labcorp
Classification: Pathogenic for Hereditary breast ovarian cancer syndrome. Last evaluated: 2025-09-15. Review status: criteria provided, single submitter. Criteria: Invitae Variant Classification Sherloc (09022015). Collection method: clinical testing. Allele origin: germline. Not counted in ClinVar's aggregate classification.
Comment: This sequence change replaces aspartic acid, which is acidic and polar, with asparagine, which is neutral and polar, at codon 96 of the BRCA1 protein (p.Asp96Asn). This variant is not present in population databases (gnomAD no frequency). This variant has not been reported in the literature in individuals affected with BRCA1-related conditions. ClinVar contains an entry for this variant (Variation ID: 54704). Invitae Evidence Modeling incorporating data from in vitro experimental studies (PMID: 30209399) indicates that this missense variant is expected to disrupt BRCA1 function with a positive predictive value of 95%. Experimental studies have shown that this missense change affects BRCA1 function (PMID: 25823446, 30209399). RNA analysis performed to evaluate the impact of this missense change on mRNA splicing indicates it does not significantly alter splicing (PMID: 32123317). This variant disrupts the p.Asp96 amino acid residue in BRCA1. Other variant(s) that disrupt this residue have been determined to be pathogenic (PMID: 30209399; internal data). This suggests that this residue is clinically significant, and that variants that disrupt this residue are likely to be disease-causing. For these reasons, this variant has been classified as Pathogenic.

Women's Health and Genetics/Laboratory Corporation of America, LabCorp
Classification: Likely pathogenic for Hereditary breast ovarian cancer syndrome. Last evaluated: 2024-12-02. Review status: criteria provided, single submitter. Criteria: LabCorp Variant Classification Summary - May 2015. Collection method: clinical testing. Allele origin: germline. Not counted in ClinVar's aggregate classification.
Comment: Variant summary: BRCA1 c.286G>A (p.Asp96Asn) results in a conservative amino acid change located in the RING domain of the encoded protein sequence. Three of five in-silico tools predict a damaging effect of the variant on protein function. The variant was absent in 251214 control chromosomes. c.286G>A has been reported in the literature as a somatic variant in an individual affected with stage III, grade III triple negative breast cancer who was reportedly negative for BRCA1 germline mutations (example Li_2016). These report(s) do not provide unequivocal conclusions about association of the variant with Hereditary Breast And Ovarian Cancer Syndrome. At least two publications report experimental evidence evaluating an impact on protein function. The most pronounced variant effect results in loss of Homology Directed Repair (HDR) activity (Findlay_2018, Starita_2015). HDR assays qualify as a recognized gold standard on the basis of updated guidance provided by the ClinGen Sequence Variant Interpretation (SVI) working group. This working group has recommended strong functional evidence (ACMG PS3) as sufficient weightage for categorization as likely pathogenic (Tavtigian_2018). The following publications have been ascertained in the context of this evaluation (PMID: 15235020, 30209399, 16403807, 25823446). ClinVar contains an entry for this variant (Variation ID: 54704). Based on the evidence outlined above, the variant was classified as likely pathogenic.

Color Diagnostics, LLC DBA Color Health
Classification: Uncertain significance for Hereditary cancer-predisposing syndrome. Last evaluated: 2020-05-24. Review status: criteria provided, single submitter. Criteria: ACMG Guidelines, 2015. Collection method: clinical testing. Allele origin: germline. Not counted in ClinVar's aggregate classification.
Comment: This missense variant replaces aspartic acid with asparagine at codon 96 in the RING domain of the BRCA1 protein. Computational prediction is inconclusive regarding the impact of this variant on protein structure and function (internally defined REVEL score threshold 0.5 < inconclusive < 0.7, PMID: 27666373). Functional studies have found this variant protein to be defective in E3 ligase, BARD1 binding and homology-directed DNA repair activity (PMID: 25823446; Ramasubramanian 2012, dissertation, Ohio State University) and in a haploid cell proliferation assay (PMID: 30209399). This variant has been reported in an individual affected with breast cancer (PMID: 26956035) This variant has not been identified in the general population by the Genome Aggregation Database (gnomAD). Although there is a suspicion for a pathogenic role, the available clinical evidence is insufficient to determine the role of this variant in disease conclusively. Therefore, this variant is classified as a Variant of Uncertain Significance.

Breast Cancer Information Core (BIC) (BRCA1)
Classification: Uncertain significance for Breast-ovarian cancer, familial 1. Review status: no assertion criteria provided. Collection method: clinical testing. Allele origin: germline. Affected: yes. Observed: 1 variant allele. Not counted in ClinVar's aggregate classification.

Brotman Baty Institute, University of Washington
No classification provided (evidence only). Condition: Breast-ovarian cancer, familial 1. Review status: no classification provided. Collection method: in vitro. Allele origin: not applicable. Functional consequence: functionally_abnormal. Not counted in ClinVar's aggregate classification.
ClinVar note: "not provided" was previously submitted as the classification for the variant. However, the classification appeared to be based only on an observation of functional data so it was converted to no classification on 2025-07-30.

Literature cited by the submitters: PubMed 16403807 (cited by Ambry Genetics and Women's Health and Genetics/Laboratory Corporation of America, LabCorp); PubMed 25823446 (cited by 3 submitters); PubMed 30209399 (cited by 3 submitters); PubMed 35659930 (cited by Ambry Genetics); PubMed 32123317 (cited by Labcorp Genetics (formerly Invitae), Labcorp); PubMed 15235020 (cited by Women's Health and Genetics/Laboratory Corporation of America, LabCorp); PubMed 26956035 (cited by Women's Health and Genetics/Laboratory Corporation of America, LabCorp); PubMed 31825140 (cited by Women's Health and Genetics/Laboratory Corporation of America, LabCorp).